The following is an entry in ClinVar:

ClinVar aggregate classification (germline): Uncertain significance (1 of 4 stars; one submission).

Conditions:
Dyskeratosis congenita. Identifiers: Orphanet 1775, MedGen C0265965, MONDO:0015780.

Submission:

Ambry Genetics
Classification: Uncertain significance for Dyskeratosis congenita. Last evaluated: 2024-11-16. Review status: criteria provided, single submitter. Criteria: Ambry Variant Classification Scheme 2023. Collection method: clinical testing. Allele origin: germline.
Comment: The p.F464L variant (also known as c.1392C>G), located in coding exon 2 of the TERT gene, results from a C to G substitution at nucleotide position 1392. The phenylalanine at codon 464 is replaced by leucine, an amino acid with highly similar properties. This amino acid position is conserved. In addition, the in silico prediction for this alteration is inconclusive. Based on the available evidence, the clinical significance of this variant remains unclear.

NM_198253.3(TERT):c.1392C>G (p.Phe464Leu)

Gene: TERT (telomerase reverse transcriptase; minus strand). Cytogenetic location: 5p15.33.
Variant type: single nucleotide variant.
Coding change: c.1392C>G on transcript NM_198253.3 (MANE Select); coding-DNA position 1392, C replaced by G.
Protein change: p.Phe464Leu; replaces phenylalanine 464 with leucine.
Molecular consequence: missense variant. On other transcripts: non-coding transcript variant (2).
Genome position (GRCh38, 1-based): chr5:1,293,494, G>C on the plus strand (C>G on the coding strand, the complement: TERT is on the minus strand). VCF-style: chr5-1293494-G-C. GRCh37 (hg19) VCF-style: chr5-1293609-G-C.
Other names: c.1392C>G, p.Phe464Leu (NM_001193376.3); short protein forms F464L.
Identifiers: ClinVar variation 3455219 (VCV003455219.1).